The following is an entry in ClinVar:

NM_001129820.2(SLFN14):c.1986T>C (p.Asp662=)

Gene: SLFN14 (schlafen family member 14; minus strand). Cytogenetic location: 17q12.
Variant type: single nucleotide variant.
Coding change: c.1986T>C on transcript NM_001129820.2 (MANE Select); coding-DNA position 1986, T replaced by C.
Protein change: p.Asp662=; no amino-acid change (aspartic acid 662 retained).
Molecular consequence: synonymous variant.
Genome position (GRCh38, 1-based): chr17:35,548,992, A>G on the plus strand (T>C on the coding strand, the complement: SLFN14 is on the minus strand). VCF-style: chr17-35548992-A-G. GRCh37 (hg19) VCF-style: chr17-33876011-A-G.
Other names: p.Asp662=.
Identifiers: ClinVar variation 3033299 (VCV003033299.4), dbSNP rs376832252, ClinGen allele CA8504571.

ClinVar aggregate classification (germline): Likely benign. Review status: criteria provided, multiple submitters, no conflicts (2 of 4 stars). 3 submissions from 3 submitters: Likely benign (2). 1 of the submissions does not count toward it. Last evaluated 2024-06-05.

Conditions:
SLFN14-related disorder. Also called: SLFN14-related condition.

Allele frequency attached by ClinVar (database versions not stated): ExAC 0.00061; ESP Exome Variant Server 0.00131; gnomAD 0.00151; 1000 Genomes Project 0.00160; 1000 Genomes Project 30x 0.00187; TOPMed 0.00191.
gnomAD v4.1: 386 of 1,551,684 alleles (0.025%); highest among the groups gnomAD compares: African/African-American, 0.45%; no homozygotes.

Submissions (3):

Blueprint Genetics
Classification: Likely benign. Last evaluated: 2024-06-05. Review status: criteria provided, single submitter. Criteria: ACMG Guidelines, 2015. Collection method: clinical testing. Allele origin: germline.

Mayo Clinic Laboratories, Mayo Clinic
Classification: Likely benign. Last evaluated: 2024-02-26. Review status: criteria provided, single submitter. Criteria: ACMG Guidelines, 2015. Collection method: clinical testing. Allele origin: germline. Observed: 2 variant alleles.
Comment: BS1_supporting, BP4, BP7

PreventionGenetics, part of Exact Sciences
Classification: Benign for SLFN14-related condition. Last evaluated: 2019-07-16. Review status: no assertion criteria provided. Collection method: clinical testing. Allele origin: germline. Not counted in ClinVar's aggregate classification.
Comment: This variant is classified as benign based on ACMG/AMP sequence variant interpretation guidelines (Richards et al. 2015 PMID: 25741868, with internal and published modifications).